The following is an entry in ClinVar:

NM_004444.5(EPHB4):c.2931G>A (p.Pro977=)

Gene: EPHB4 (EPH receptor B4; minus strand). Cytogenetic location: 7q22.1.
Variant type: single nucleotide variant.
Coding change: c.2931G>A on transcript NM_004444.5 (MANE Select); coding-DNA position 2931, G replaced by A.
Protein change: p.Pro977=; no amino-acid change (proline 977 retained).
Molecular consequence: synonymous variant.
Genome position (GRCh38, 1-based): chr7:100,803,494, C>T on the plus strand (G>A on the coding strand, the complement: EPHB4 is on the minus strand). VCF-style: chr7-100803494-C-T. GRCh37 (hg19) VCF-style: chr7-100401116-C-T.
Other names: p.Pro977=.
Identifiers: ClinVar variation 1797826 (VCV001797826.8), dbSNP rs776048181, ClinGen allele CA4392477.

ClinVar aggregate classification (germline): Benign/Likely benign. Review status: criteria provided, multiple submitters, no conflicts (2 of 4 stars). 4 submissions from 4 submitters: Benign (2); Likely benign (2). Last evaluated 2026-09-01.

Conditions:
Cardiovascular phenotype. Identifiers: MedGen CN230736.

Allele frequency attached by ClinVar (database versions not stated): 1000 Genomes Project 30x 0.00031; TOPMed 0.00033; gnomAD 0.00041; ExAC 0.00086.
gnomAD v4.1: 581 of 1,584,112 alleles (0.037%); highest among the groups gnomAD compares: Non-Finnish European, 0.04%; 2 homozygotes.

Submissions (4):

CeGaT Center for Human Genetics Tuebingen
Classification: Likely benign. Last evaluated: 2026-09-01. Review status: criteria provided, single submitter. Criteria: CeGaT Center For Human Genetics Tuebingen Variant Classification Criteria Version 2. Collection method: clinical testing. Allele origin: germline. Affected: yes. Observed: 2 variant alleles.
Comment: EPHB4: BP4, BP7

Labcorp Genetics (formerly Invitae), Labcorp
Classification: Benign. Last evaluated: 2025-12-21. Review status: criteria provided, single submitter. Criteria: Invitae Variant Classification Sherloc (09022015). Collection method: clinical testing. Allele origin: germline.

Mayo Clinic Laboratories, Mayo Clinic
Classification: Likely benign. Last evaluated: 2025-04-30. Review status: criteria provided, single submitter. Criteria: ACMG Guidelines, 2015. Collection method: clinical testing. Allele origin: germline. Observed: 1 variant allele.
Comment: BS1, BP4, BP7

Ambry Genetics
Classification: Benign for Cardiovascular phenotype. Last evaluated: 2020-11-04. Review status: criteria provided, single submitter. Criteria: Ambry Variant Classification Scheme 2023. Collection method: clinical testing. Allele origin: germline.